The following is an entry in ClinVar:

NM_001323289.2(CDKL5):c.463+269_463+273del

Gene: CDKL5 (cyclin dependent kinase like 5; plus strand). Cytogenetic location: Xp22.13.
Variant type: Deletion.
Coding change: c.463+269_463+273del on transcript NM_001323289.2 (MANE Select); bases 269 to 273 of the intron after coding-DNA position 463, 5 bases deleted (TTCAC; older notation c.463+269_463+273delTTCAC).
Molecular consequence: intron variant.
Genome position (GRCh38, 1-based): chrX:18,582,219-18,582,223, TTCAC deleted; deleting any 5 consecutive bases within chrX:18,582,217-18,582,223 gives the same sequence; the c. name uses the placement nearest the transcript's 3' end. VCF-style (leftmost placement, unchanged base first): chrX-18582216-GACTTC-G. GRCh37 (hg19) VCF-style: chrX-18600336-GACTTC-G.
Other names: c.463+269_463+273del (NM_001037343.2, NM_003159.3).
Identifiers: ClinVar variation 673359 (VCV000673359.1), dbSNP rs766847265, ClinGen allele CA326984246.

ClinVar aggregate classification (germline): Likely benign (1 of 4 stars; one submission).

Submission:

GeneDx
Classification: Likely benign. Last evaluated: 2018-06-16. Review status: criteria provided, single submitter. Criteria: GeneDx Variant Classification (06012015). Collection method: clinical testing. Allele origin: germline. Affected: yes.
Comment: This variant is considered likely benign or benign based on one or more of the following criteria: it is a conservative change, it occurs at a poorly conserved position in the protein, it is predicted to be benign by multiple in silico algorithms, and/or has population frequency not consistent with disease.